The following is an entry in ClinVar:

ClinVar aggregate classification (germline): Benign (1 of 4 stars; one submission).

Allele frequency attached by ClinVar (database versions not stated): 1000 Genomes Project 0.03614; TOPMed 0.05231; gnomAD exomes 0.06423; 1000 Genomes Project 30x 0.03545; gnomAD 0.06158.
gnomAD v4.1: 10,833 of 186,688 alleles (5.8%); highest among the groups gnomAD compares: Middle Eastern, 11%; 435 homozygotes.

Submission:

GeneDx
Classification: Benign. Last evaluated: 2018-06-14. Review status: criteria provided, single submitter. Criteria: GeneDx Variant Classification (06012015). Collection method: clinical testing. Allele origin: germline. Affected: yes.
Comment: This variant is considered likely benign or benign based on one or more of the following criteria: it is a conservative change, it occurs at a poorly conserved position in the protein, it is predicted to be benign by multiple in silico algorithms, and/or has population frequency not consistent with disease.

NM_002755.3(MAP2K1):c.-631C>T

Genes: MAP2K1 (mitogen-activated protein kinase kinase 1; plus strand), TIPIN (TIMELESS interacting protein; minus strand). Cytogenetic location: 15q22.31.
Variant type: single nucleotide variant.
Coding change: c.-631C>T on transcript NM_002755.3; 631 bases upstream of the start codon, C replaced by T.
Molecular consequence: 5 prime UTR variant (on NM_001398281.1).
Genome position (GRCh38, 1-based): chr15:66,386,717, C>T. VCF-style: chr15-66386717-C-T. GRCh37 (hg19) VCF-style: chr15-66679055-C-T.
Other names: c.-76G>A (NM_001398281.1); c.-119G>A (NM_001398283.1); c.-303G>A (NM_001398285.1); c.-346G>A (NM_001398286.1).
Identifiers: ClinVar variation 561875 (VCV000561875.3), dbSNP rs62013660, ClinGen allele CA271645483.